The following is an entry in ClinVar:

NM_000443.4(ABCB4):c.717G>A (p.Ser239=)

Gene: ABCB4 (ATP binding cassette subfamily B member 4; minus strand). Cytogenetic location: 7q21.12.
Variant type: single nucleotide variant.
Coding change: c.717G>A on transcript NM_000443.4 (MANE Select); coding-DNA position 717, G replaced by A.
Protein change: p.Ser239=; no amino-acid change (serine 239 retained).
Molecular consequence: synonymous variant.
Genome position (GRCh38, 1-based): chr7:87,450,084, C>T on the plus strand (G>A on the coding strand, the complement: ABCB4 is on the minus strand). VCF-style: chr7-87450084-C-T. GRCh37 (hg19) VCF-style: chr7-87079400-C-T.
Other names: c.717G>A, p.Ser239= (NM_018849.3, NM_018850.3); c.717G>A (NM_000443.3).
Identifiers: ClinVar variation 289810 (VCV000289810.10), dbSNP rs770169131, ClinGen allele CA4327468.

ClinVar aggregate classification (germline): Conflicting classifications of pathogenicity. Review status: criteria provided, conflicting classifications (1 of 4 stars). 3 submissions from 3 submitters: Uncertain significance (1); Likely benign (1). 1 of the submissions does not count toward it. Last evaluated 2026-01-25.

Conditions:
ABCB4-related disorder. Also called: ABCB4-related disorders; ABCB4-related condition.

Allele frequency attached by ClinVar (database versions not stated): gnomAD 0.00003 and 0.00002; TOPMed 0.00012; ExAC 0.00008.
gnomAD v4.1: 57 of 1,613,878 alleles (0.0035%); highest among the groups gnomAD compares: Admixed American, 0.063%; no homozygotes.

Submissions (3):

Labcorp Genetics (formerly Invitae), Labcorp
Classification: Likely benign. Last evaluated: 2026-01-25. Review status: criteria provided, single submitter. Criteria: Invitae Variant Classification Sherloc (09022015). Collection method: clinical testing. Allele origin: germline.

Eurofins Ntd Llc (ga)
Classification: Uncertain significance. Last evaluated: 2016-07-25. Review status: criteria provided, single submitter. Criteria: EGL Classification Definitions 2015. Collection method: clinical testing. Allele origin: germline. Observed: 1 variant allele, 1 heterozygote.

PreventionGenetics, part of Exact Sciences
Classification: Likely benign for ABCB4-related condition. Last evaluated: 2021-06-02. Review status: no assertion criteria provided. Collection method: clinical testing. Allele origin: germline. Not counted in ClinVar's aggregate classification.
Comment: This variant is classified as likely benign based on ACMG/AMP sequence variant interpretation guidelines (Richards et al. 2015 PMID: 25741868, with internal and published modifications).